The following is an entry in ClinVar:

ClinVar aggregate classification (germline): Pathogenic (1 of 4 stars; one submission).

Conditions:
Hereditary cancer-predisposing syndrome. Also called: Neoplastic Syndromes, Hereditary; Hereditary neoplastic syndrome; Tumor predisposition; Hereditary Cancer Syndrome. Identifiers: Orphanet 140162, MedGen C0027672, MeSH D009386, MONDO:0015356.

Submission:

Ambry Genetics
Classification: Pathogenic for Hereditary cancer-predisposing syndrome. Last evaluated: 2026-02-23. Review status: criteria provided, single submitter. Criteria: Ambry Variant Classification Scheme 2023. Collection method: clinical testing. Allele origin: germline.
Comment: The c.300dupA pathogenic mutation, located in coding exon 2 of the FLCN gene, results from a duplication of A at nucleotide position 300, causing a translational frameshift with a predicted alternate stop codon (p.E101Rfs*5). This variant is considered to be rare based on population cohorts in the Genome Aggregation Database (gnomAD). This alteration is expected to result in loss of function by premature protein truncation or nonsense-mediated mRNA decay. As such, this alteration is interpreted as a disease-causing mutation.

NM_144997.7(FLCN):c.300dup (p.Glu101fs)

Gene: FLCN (folliculin; minus strand). Cytogenetic location: 17p11.2.
Variant type: Duplication.
Coding change: c.300dup on transcript NM_144997.7 (MANE Select); coding-DNA position 300, one base duplicated (A; older notation c.300dupA).
Protein change: p.Glu101fs; shifts the reading frame from glutamic acid 101.
Molecular consequence: frameshift variant.
Genome position (GRCh38, 1-based): chr17:17,226,272, T duplicated on the plus strand (A on the coding strand, the reverse complement: FLCN is on the minus strand); the first of 3 consecutive T bases (chr17:17,226,272-17,226,274); duplicating any one gives the same sequence. VCF-style (leftmost placement, unchanged base first): chr17-17226271-C-CT. GRCh37 (hg19) VCF-style: chr17-17129585-C-CT.
Other names: c.300dup, p.Glu101fs (NM_001353229.2, NM_001353230.2, NM_001353231.2 and 1 more transcripts); c.300dupA (NM_144997.5); short protein forms E101fs.
Identifiers: ClinVar variation 4824722 (VCV004824722.1).